The following is an entry in ClinVar:

NM_000343.4(SLC5A1):c.1666-5T>C

Gene: SLC5A1 (solute carrier family 5 member 1; plus strand). Cytogenetic location: 22q12.3.
Variant type: single nucleotide variant.
Coding change: c.1666-5T>C on transcript NM_000343.4 (MANE Select); 5 bases into the intron before coding-DNA position 1666, T replaced by C.
Molecular consequence: intron variant.
Genome position (GRCh38, 1-based): chr22:32,104,781, T>C. VCF-style: chr22-32104781-T-C. GRCh37 (hg19) VCF-style: chr22-32500768-T-C.
Other names: p.?; c.1285-5T>C (NM_001256314.2).
Identifiers: ClinVar variation 341257 (VCV000341257.17), dbSNP rs33968460, ClinGen allele CA10198292.
Genomic context (GRCh38, chr22:32,104,781, plus strand): 5'-CCCCAACTTCTTGTCCCAAGATGCTATTTGGATCTTTCTGTTGACCTGTTCTGCCTTCTC[T>C]GCAGCTCTACCGTCTGTGTTGGAGCCTGCGCAACAGCAAAGAGGAGCGTATTGACCTGGA-3'

ClinVar aggregate classification (germline): Benign. Review status: criteria provided, multiple submitters, no conflicts (2 of 4 stars). 4 submissions from 4 submitters: Benign (4). Last evaluated 2026-02-01.

Conditions:
Congenital glucose-galactose malabsorption (GGM). Also called: MONOSACCHARIDE MALABSORPTION; DIARRHEA 16. Identifiers: Orphanet 35710, MedGen C0268186, MONDO:0011731, OMIM 606824.

Allele frequency attached by ClinVar (database versions not stated): gnomAD exomes 0.00118 and 0.00304; ExAC 0.00365; gnomAD 0.01020 and 0.01076; ESP Exome Variant Server 0.01192; 1000 Genomes Project 30x 0.01234; TOPMed 0.01240; 1000 Genomes Project 0.01278.
gnomAD v4.1: 3,385 of 1,613,200 alleles (0.21%); highest among the groups gnomAD compares: African/African-American, 3.5%; 63 homozygotes.

Submissions (4):

Labcorp Genetics (formerly Invitae), Labcorp
Classification: Benign for Congenital glucose-galactose malabsorption. Last evaluated: 2026-02-01. Review status: criteria provided, single submitter. Criteria: Invitae Variant Classification Sherloc (09022015). Collection method: clinical testing. Allele origin: germline.

Mayo Clinic Laboratories, Mayo Clinic
Classification: Benign. Last evaluated: 2024-09-23. Review status: criteria provided, single submitter. Criteria: ACMG Guidelines, 2015. Collection method: clinical testing. Allele origin: germline. Observed: 2 variant alleles.
Comment: BS1, BS2, BP7

Illumina Laboratory Services, Illumina
Classification: Benign for Congenital glucose-galactose malabsorption. Last evaluated: 2018-01-13. Review status: criteria provided, single submitter. Criteria: ICSL Variant Classification Criteria 13 December 2019. Collection method: clinical testing. Allele origin: germline.
Comment: This variant was observed in the ICSL laboratory as part of a predisposition screen in an ostensibly healthy population. It had not been previously curated by ICSL or reported in the Human Gene Mutation Database (HGMD: prior to June 1st, 2018), and was therefore a candidate for classification through an automated scoring system. Utilizing variant allele frequency, disease prevalence and penetrance estimates, and inheritance mode, an automated score was calculated to assess if this variant is too frequent to cause the disease. Based on the score and internal cut-off values, a variant classified as benign is not then subjected to further curation. The score for this variant resulted in a classification of benign for this disease.

Breakthrough Genomics
Classification: Benign. Review status: criteria provided, single submitter. Criteria: ACMG Guidelines, 2015. Collection method: not provided. Allele origin: germline. Inheritance: Autosomal recessive inheritance. Affected: yes.